The following is an entry in ClinVar:

NM_013275.6(ANKRD11):c.3098G>A (p.Ser1033Asn)

Gene: ANKRD11 (ankyrin repeat domain 11; minus strand). Cytogenetic location: 16q24.3.
Variant type: single nucleotide variant.
Coding change: c.3098G>A on transcript NM_013275.6 (MANE Select); coding-DNA position 3098, G replaced by A.
Protein change: p.Ser1033Asn; replaces serine 1033 with asparagine.
Molecular consequence: missense variant.
Genome position (GRCh38, 1-based): chr16:89,283,444, C>T on the plus strand (G>A on the coding strand, the complement: ANKRD11 is on the minus strand). VCF-style: chr16-89283444-C-T. GRCh37 (hg19) VCF-style: chr16-89349852-C-T.
Other names: c.3098G>A, p.Ser1033Asn (NM_001256182.2, NM_001256183.2); short protein forms S1033N.
Identifiers: ClinVar variation 4766896 (VCV004766896.3).

ClinVar aggregate classification (germline): Uncertain significance. Review status: criteria provided, multiple submitters, no conflicts (2 of 4 stars). 2 submissions from 2 submitters: Uncertain significance (2). Last evaluated 2025-09-20.

Conditions:
KBG syndrome (KBGS). Also called: ANKRD11-Related KBG Syndrome. Identifiers: Orphanet 2332, MedGen C0220687, MONDO:0007846, OMIM 148050.

gnomAD v4.1: 3 of 1,614,208 alleles (0.00019%); highest among the groups gnomAD compares: Admixed American, 0.0017%; no homozygotes.

Submissions (2):

Labcorp Genetics (formerly Invitae), Labcorp
Classification: Uncertain significance for KBG syndrome. Last evaluated: 2025-09-20. Review status: criteria provided, single submitter. Criteria: Invitae Variant Classification Sherloc (09022015). Collection method: clinical testing. Allele origin: germline.
Comment: This sequence change replaces serine, which is neutral and polar, with asparagine, which is neutral and polar, at codon 1033 of the ANKRD11 protein (p.Ser1033Asn). This variant is present in population databases (rs201522384, gnomAD 0.0009%). This variant has not been reported in the literature in individuals affected with ANKRD11-related conditions. Invitae Evidence Modeling of protein sequence and biophysical properties (such as structural, functional, and spatial information, amino acid conservation, physicochemical variation, residue mobility, and thermodynamic stability) indicates that this missense variant is not expected to disrupt ANKRD11 protein function with a negative predictive value of 95%. In summary, the available evidence is currently insufficient to determine the role of this variant in disease. Therefore, it has been classified as a Variant of Uncertain Significance.

Dasa
Classification: Uncertain significance. Last evaluated: 2024-12-02. Review status: criteria provided, single submitter. Criteria: DASA Assertion Criteria. Collection method: clinical testing. Allele origin: germline.
Comment: NM_013275.6(ANKRD11):c.3098G>A (p.Ser1033Asn) is a missense variant that results in the substitution of serine with asparagine. This variant is rare in population databases. Computational prediction algorithms are consistent with a benign effect. The currently available literature and clinical evidence are not sufficient to establish a definitive association between this variant and the reported condition. Therefore, this variant is classified as a variant of uncertain significance.